The following is an entry in ClinVar:

ClinVar aggregate classification (germline): Likely benign (1 of 4 stars; one submission).

gnomAD v4.1: 19 of 1,416,860 alleles (0.0013%); highest among the groups gnomAD compares: South Asian, 0.0017%; no homozygotes.

Submission:

CeGaT Center for Human Genetics Tuebingen
Classification: Likely benign. Last evaluated: 2024-07-01. Review status: criteria provided, single submitter. Criteria: CeGaT Center For Human Genetics Tuebingen Variant Classification Criteria Version 2. Collection method: clinical testing. Allele origin: germline. Affected: yes. Observed: 1 variant allele.
Comment: NBEA: BP4

NM_001385012.1(NBEA):c.7297-8C>A

Gene: NBEA (neurobeachin; plus strand). Cytogenetic location: 13q13.3.
Variant type: single nucleotide variant.
Coding change: c.7297-8C>A on transcript NM_001385012.1 (MANE Select); 8 bases into the intron before coding-DNA position 7297, C replaced by A.
Molecular consequence: intron variant.
Genome position (GRCh38, 1-based): chr13:35,606,418, C>A. VCF-style: chr13-35606418-C-A. GRCh37 (hg19) VCF-style: chr13-36180555-C-A.
Other names: c.7297-8C>A (NM_015678.5); c.7288-8C>A (NM_001379245.1); c.676-8C>A (NM_001204197.3).
Identifiers: ClinVar variation 3257459 (VCV003257459.17).